The following is an entry in ClinVar:

NM_001291415.2(KDM6A):c.2111C>T (p.Ala704Val)

Gene: KDM6A (lysine demethylase 6A; plus strand). Cytogenetic location: Xp11.3.
Variant type: single nucleotide variant.
Coding change: c.2111C>T on transcript NM_001291415.2 (MANE Select); coding-DNA position 2111, C replaced by T.
Protein change: p.Ala704Val; replaces alanine 704 with valine.
Molecular consequence: missense variant. On other transcripts: non-coding transcript variant (1).
Genome position (GRCh38, 1-based): chrX:45,069,610, C>T. VCF-style: chrX-45069610-C-T. GRCh37 (hg19) VCF-style: chrX-44928855-C-T.
Other names: c.1853C>T, p.Ala618Val (NM_001410742.1, NM_001419814.1); c.2111C>T, p.Ala704Val (NM_001419809.1); c.2009C>T, p.Ala670Val (NM_001419810.1, NM_001419813.1); c.1976C>T, p.Ala659Val (NM_001419811.1, NM_001291416.2); c.1955C>T, p.Ala652Val (NM_001419812.1, NM_021140.4); c.1718C>T, p.Ala573Val (NM_001419815.1, NM_001291418.2); c.1820C>T, p.Ala607Val (NM_001291417.2); c.1067C>T, p.Ala356Val (NM_001291421.2); short protein forms A356V, A573V, A607V, A618V, A652V, A659V, A670V, A704V.
Identifiers: ClinVar variation 2660372 (VCV002660372.24), dbSNP rs1602863005, ClinGen allele CA412792084.

ClinVar aggregate classification (germline): Uncertain significance (1 of 4 stars; one submission).

Allele frequency attached by ClinVar (database versions not stated): TOPMed below 0.00001.

Submission:

CeGaT Center for Human Genetics Tuebingen
Classification: Uncertain significance. Last evaluated: 2022-12-01. Review status: criteria provided, single submitter. Criteria: CeGaT Center For Human Genetics Tuebingen Variant Classification Criteria Version 2. Collection method: clinical testing. Allele origin: germline. Affected: yes. Observed: 1 variant allele.
Comment: KDM6A: PM2